The following is an entry in ClinVar:

NM_001330260.2(SCN8A):c.1100T>C (p.Met367Thr)

Gene: SCN8A (sodium voltage-gated channel alpha subunit 8; plus strand). Cytogenetic location: 12q13.13.
Variant type: single nucleotide variant.
Coding change: c.1100T>C on transcript NM_001330260.2 (MANE Select); coding-DNA position 1100, T replaced by C.
Protein change: p.Met367Thr; replaces methionine 367 with threonine.
Molecular consequence: missense variant.
Genome position (GRCh38, 1-based): chr12:51,702,880, T>C. VCF-style: chr12-51702880-T-C. GRCh37 (hg19) VCF-style: chr12-52096664-T-C.
Other names: c.1100T>C, p.Met367Thr (NM_001177984.3, NM_001369788.1, NM_014191.4); short protein forms M367T.
Identifiers: ClinVar variation 1043511 (VCV001043511.9), dbSNP rs1941714399, ClinGen allele CA385227280.

ClinVar aggregate classification (germline): Pathogenic (1 of 4 stars; one submission).

Conditions:
Early-infantile DEE. Also called: Ohtahara syndrome; Early infantile epileptic encephalopathy with suppression bursts; Early infantile epileptic encephalopathy. Identifiers: Orphanet 1934, MedGen C0393706, MONDO:0800491.

Submission:

Labcorp Genetics (formerly Invitae), Labcorp
Classification: Pathogenic for Early-infantile DEE. Last evaluated: 2024-10-22. Review status: criteria provided, single submitter. Criteria: Invitae Variant Classification Sherloc (09022015). Collection method: clinical testing. Allele origin: germline.
Comment: This sequence change replaces methionine, which is neutral and non-polar, with threonine, which is neutral and polar, at codon 367 of the SCN8A protein (p.Met367Thr). This variant is not present in population databases (gnomAD no frequency). This missense change has been observed in individual(s) with SCN8A-related conditions (internal data). It has also been observed to segregate with disease in related individuals. ClinVar contains an entry for this variant (Variation ID: 1043511). Invitae Evidence Modeling of protein sequence and biophysical properties (such as structural, functional, and spatial information, amino acid conservation, physicochemical variation, residue mobility, and thermodynamic stability) indicates that this missense variant is expected to disrupt SCN8A protein function with a positive predictive value of 95%. This variant disrupts the p.Met367 amino acid residue in SCN8A. Other variant(s) that disrupt this residue have been determined to be pathogenic (internal data). This suggests that this residue is clinically significant, and that variants that disrupt this residue are likely to be disease-causing. For these reasons, this variant has been classified as Pathogenic.